The following is an entry in ClinVar:

NM_002693.3(POLG):c.2143C>T (p.Gln715Ter)

Gene: POLG (DNA polymerase gamma, catalytic subunit; minus strand). Cytogenetic location: 15q26.1.
Variant type: single nucleotide variant.
Coding change: c.2143C>T on transcript NM_002693.3 (MANE Select); coding-DNA position 2143, C replaced by T.
Protein change: p.Gln715Ter; replaces glutamine 715 with a stop codon.
Molecular consequence: nonsense.
Genome position (GRCh38, 1-based): chr15:89,323,829, G>A on the plus strand (C>T on the coding strand, the complement: POLG is on the minus strand). VCF-style: chr15-89323829-G-A. GRCh37 (hg19) VCF-style: chr15-89867060-G-A.
Other names: c.2143C>T, p.Gln715Ter (NM_001126131.2); short protein forms Q715*.
Identifiers: ClinVar variation 619398 (VCV000619398.9), dbSNP rs1254855971, ClinGen allele CA10602219.

ClinVar aggregate classification (germline): Pathogenic. Review status: criteria provided, multiple submitters, no conflicts (2 of 4 stars). 7 submissions from 7 submitters: Pathogenic (6). 1 of the submissions does not count toward it. Last evaluated 2025-07-18.

Conditions:
POLG-related disorder. Also called: POLG-related condition; POLG-Related Disorders; POLG-Related Spectrum Disorders. Identifiers: MedGen C4763519.
Progressive sclerosing poliodystrophy (MTDPS4A). Also called: NEURONAL DEGENERATION OF CHILDHOOD WITH LIVER DISEASE, PROGRESSIVE; ALPERS PROGRESSIVE INFANTILE POLIODYSTROPHY; Mitochondrial DNA depletion syndrome 4A (Alpers type); Alpers Syndrome; ALPERS DIFFUSE DEGENERATION OF CEREBRAL GRAY MATTER WITH HEPATIC CIRRHOSIS; Alpers-Huttenlocher Syndrome. Identifiers: Orphanet 726, MedGen C0205710, MONDO:0008758, OMIM 203700.
Progressive external ophthalmoplegia with mitochondrial DNA deletions, autosomal recessive 1 (PEOB1). Also called: Autosomal Recessive Progressive External Ophthalmoplegia (arPEO); Progressive external ophthalmoplegia, autosomal recessive 1. Identifiers: Orphanet 254886, MedGen C4225153, MONDO:0009783, OMIM 258450.
Progressive external ophthalmoplegia with mitochondrial DNA deletions, autosomal dominant 1 (PEOA1). Also called: PROGRESSIVE EXTERNAL OPHTHALMOPLEGIA, AUTOSOMAL DOMINANT 1; Autosomal Dominant Progressive External Ophthalmoplegia (adPEO). Identifiers: MedGen C1834846, MONDO:0024528, OMIM 157640.
Mitochondrial DNA depletion syndrome 4b. Also called: Mitochondrial Neurogastrointestinal Encephalopathy Disease, POLG-Related; MNGIE, POLG-RELATED. Identifiers: Orphanet 298, MedGen C3150914, MONDO:0013350, OMIM 613662.
Mitochondrial DNA depletion syndrome 1. Also called: POLIP SYNDROME; POLYNEUROPATHY, OPHTHALMOPLEGIA, LEUKOENCEPHALOPATHY, AND INTESTINAL PSEUDOOBSTRUCTION; Mitochondrial neurogastrointestinal encephalomyopathy syndrome; Mitochondrial DNA Depletion Syndrome, MNGIE Form; Mitochondrial Neurogastrointestinal Encephalopathy Disease; MITOCHONDRIAL NEUROGASTROINTESTINAL ENCEPHALOPATHY SYNDROME, TYMP-RELATED. Identifiers: Orphanet 298, MedGen C4551995, MONDO:0011283, OMIM 603041.
Sensory ataxic neuropathy, dysarthria, and ophthalmoparesis (SANDO). Also called: Sensory ataxic neuropathy-dysarthria-ophthalmoparesis syndrome; Epilepsy, progressive myoclonic, type 5; SENSORY ATAXIC NEUROPATHY WITH MITOCHONDRIAL DNA DELETIONS, AUTOSOMAL RECESSIVE; Ataxia Neuropathy Spectrum (ANS). Identifiers: Orphanet 70595, MedGen C1843851, MONDO:0011835, OMIM 607459.

Allele frequency attached by ClinVar (database versions not stated): gnomAD exomes 0.00001 and below 0.00001; gnomAD 0.00001; TOPMed 0.00001.
gnomAD v4.1: 4 of 1,613,492 alleles (0.00025%); highest among the groups gnomAD compares: Non-Finnish European, 0.00034%; no homozygotes.

Submissions (7):

Athena Diagnostics
Classification: Pathogenic. Last evaluated: 2025-07-18. Review status: criteria provided, single submitter. Criteria: Athena Diagnostics Criteria. Collection method: clinical testing. Allele origin: unknown.
Comment: This variant is expected to result in the loss of a functional protein. The frequency of this variant in the general population is consistent with pathogenicity. This variant has been identified in at least one individual with clinical features of a POLG-related disorder.

GeneDx
Classification: Pathogenic. Last evaluated: 2024-09-10. Review status: criteria provided, single submitter. Criteria: GeneDx Variant Classification Process June 2021. Collection method: clinical testing. Allele origin: germline. Affected: yes.
Comment: Nonsense variant predicted to result in protein truncation or nonsense mediated decay in a gene for which loss of function is a known mechanism of disease; Not observed at significant frequency in large population cohorts (gnomAD); This variant is associated with the following publications: (PMID: 21880868, 25525159, 18546365)

Myriad Genetics, Inc.
Classification: Pathogenic for POLG-related disorder. Last evaluated: 2024-08-31. Review status: criteria provided, single submitter. Criteria: Myriad Autosomal Dominant, Autosomal Recessive and X-Linked Classification Criteria (2023). Collection method: clinical testing. Allele origin: unknown.
Comment: NM_002693.2(POLG):c.2143C>T(Q715*) is expected to be pathogenic in the context of POLG-related disorders. This variant is predicted to lead to an abnormal or absent protein product due to the creation of a premature termination codon in POLG, a gene where loss-of-function variants are known to be pathogenic. Please note: this variant was assessed in the context of healthy population screening.

Labcorp Genetics (formerly Invitae), Labcorp
Classification: Pathogenic for Progressive sclerosing poliodystrophy. Last evaluated: 2023-05-22. Review status: criteria provided, single submitter. Criteria: Invitae Variant Classification Sherloc (09022015). Collection method: clinical testing. Allele origin: germline.
Comment: For these reasons, this variant has been classified as Pathogenic. Algorithms developed to predict the effect of sequence changes on RNA splicing suggest that this variant may create or strengthen a splice site. ClinVar contains an entry for this variant (Variation ID: 619398). This premature translational stop signal has been observed in individual(s) with autosomal recessive POLG-related conditions (PMID: 18546365). This variant is present in population databases (no rsID available, gnomAD 0.0009%). This sequence change creates a premature translational stop signal (p.Gln715*) in the POLG gene. It is expected to result in an absent or disrupted protein product. Loss-of-function variants in POLG are known to be pathogenic (PMID: 18546365).

Fulgent Genetics
Classification: Pathogenic for Progressive external ophthalmoplegia with mitochondrial DNA deletions, autosomal dominant 1; Progressive sclerosing poliodystrophy; Progressive external ophthalmoplegia with mitochondrial DNA deletions, autosomal recessive 1; Mitochondrial DNA depletion syndrome 1; Sensory ataxic neuropathy, dysarthria, and ophthalmoparesis; Mitochondrial DNA depletion syndrome 4b. Last evaluated: 2022-01-03. Review status: criteria provided, single submitter. Criteria: ACMG Guidelines, 2015. Collection method: clinical testing. Allele origin: unknown.

Wong Mito Lab, Molecular and Human Genetics, Baylor College of Medicine
Classification: Pathogenic for Progressive sclerosing poliodystrophy. Last evaluated: 2018-10-01. Review status: criteria provided, single submitter. Criteria: ACMG Guidelines, 2015. Collection method: clinical testing. Allele origin: germline.
Comment: The NM_002693.2:c.2143C>T (NP_002684.1:p.Gln715Ter) [GRCH38: NC_000015.10:g.89323829G>A] variant in POLG gene is interpretated to be a Pathogenic based on ACMG guidelines (PMID: 25741868). This variant meets the following evidence codes reported in the ACMG-guideline. PVS1:This variant is a predicted null variant in POLG where loss of function is a known mechanism of disease. PM2:This variant is absent in key population databases. PM3:Detected in trans with a pathogenic variant for Mitochondrial DNA depletion syndrome 4A (Alpers type) which is a recessive disorder. PM4:This variant causes alteration in the length of expressed protein. PP1:This variant is co-segregated with Mitochondrial DNA depletion syndrome 4A (Alpers type) in multiple affected family members. PP4:Patient's phenotype or family history is highly specific for POLG. Based on the evidence criteria codes applied, the variant is suggested to be Pathogenic.

PreventionGenetics, part of Exact Sciences
Classification: Pathogenic for POLG-related condition. Last evaluated: 2024-09-27. Review status: no assertion criteria provided. Collection method: clinical testing. Allele origin: germline. Not counted in ClinVar's aggregate classification.
Comment: The POLG c.2143C>T variant is predicted to result in premature protein termination (p.Gln715*). This variant has been reported in the compound heterozygous state to be causative for mitochondrial DNA depletion syndrome (Wong et al 2008. PubMed ID: 18546365). This variant is reported in 0.00088% of alleles in individuals of European (Non-Finnish) descent in gnomAD. Nonsense variants in POLG are expected to be pathogenic. This variant is interpreted as pathogenic.

Literature cited by the submitters: PubMed 18546365 (cited by Athena Diagnostics and Labcorp Genetics (formerly Invitae), Labcorp); PubMed 19501198 (cited by Athena Diagnostics).